The following is an entry in ClinVar:

ClinVar aggregate classification (germline): Uncertain significance (1 of 4 stars; one submission).

gnomAD v4.1: 3 of 1,614,016 alleles (0.00019%); highest among the groups gnomAD compares: Non-Finnish European, 0.00025%; no homozygotes.

Submission:

Ambry Genetics
Classification: Uncertain significance. Last evaluated: 2025-01-20. Review status: criteria provided, single submitter. Criteria: Ambry Variant Classification Scheme 2023. Collection method: clinical testing. Allele origin: germline.
Comment: The p.S596F variant (also known as c.1787C>T), located in coding exon 2 of the CDK12 gene, results from a C to T substitution at nucleotide position 1787. The serine at codon 596 is replaced by phenylalanine, an amino acid with highly dissimilar properties. This amino acid position is conserved. In addition, the in silico prediction for this alteration is inconclusive. Based on the available evidence, the clinical significance of this variant remains unclear.

NM_016507.4(CDK12):c.1787C>T (p.Ser596Phe)

Gene: CDK12 (cyclin dependent kinase 12; plus strand). Cytogenetic location: 17q12.
Variant type: single nucleotide variant.
Coding change: c.1787C>T on transcript NM_016507.4 (MANE Select); coding-DNA position 1787, C replaced by T.
Protein change: p.Ser596Phe; replaces serine 596 with phenylalanine.
Molecular consequence: missense variant.
Genome position (GRCh38, 1-based): chr17:39,471,619, C>T. VCF-style: chr17-39471619-C-T. GRCh37 (hg19) VCF-style: chr17-37627872-C-T.
Other names: c.1787C>T, p.Ser596Phe (NM_015083.4); short protein forms S596F.
Identifiers: ClinVar variation 3830547 (VCV003830547.1).